The following is an entry in ClinVar:

NM_080424.4(SP110):c.1553T>C (p.Ile518Thr)

Gene: SP110 (SP110 nuclear body protein; minus strand). Cytogenetic location: 2q37.1.
Variant type: single nucleotide variant.
Coding change: c.1553T>C on transcript NM_080424.4 (MANE Select); coding-DNA position 1553, T replaced by C.
Protein change: p.Ile518Thr; replaces isoleucine 518 with threonine.
Molecular consequence: missense variant.
Genome position (GRCh38, 1-based): chr2:230,177,575, A>G on the plus strand (T>C on the coding strand, the complement: SP110 is on the minus strand). VCF-style: chr2-230177575-A-G. GRCh37 (hg19) VCF-style: chr2-231042291-A-G.
Other names: c.1553T>C (NM_004509.3); c.1571T>C, p.Ile524Thr (NM_001185015.2, NM_001378442.1, NM_001378444.1 and 2 more transcripts); c.1553T>C, p.Ile518Thr (NM_001378443.1, NM_004509.5, NM_004510.4); c.1403T>C, p.Ile468Thr (NM_001378447.1); short protein forms I468T, I524T, I518T.
Identifiers: ClinVar variation 2048928 (VCV002048928.6), dbSNP rs200056752, ClinGen allele CA2154467.

ClinVar aggregate classification (germline): Uncertain significance. Review status: criteria provided, multiple submitters, no conflicts (2 of 4 stars). 2 submissions from 2 submitters: Uncertain significance (2). Last evaluated 2025-12-09.

Conditions:
Inborn genetic diseases. Identifiers: MedGen C0950123, MeSH D030342.
Hepatic veno-occlusive disease-immunodeficiency syndrome. Also called: Hepatic Veno-Occlusive Disease with Immunodeficiency. Identifiers: Orphanet 79124, MedGen C1856128, MONDO:0009338, OMIM 235550. Disease mechanism: loss of function.

gnomAD v4.1: 36 of 1,613,990 alleles (0.0022%); highest among the groups gnomAD compares: East Asian, 0.0089%; no homozygotes.

Submissions (2):

Ambry Genetics
Classification: Uncertain significance for Inborn genetic diseases. Last evaluated: 2025-12-09. Review status: criteria provided, single submitter. Criteria: Ambry Variant Classification Scheme 2023. Collection method: clinical testing. Allele origin: germline.

Labcorp Genetics (formerly Invitae), Labcorp
Classification: Uncertain significance for Hepatic veno-occlusive disease-immunodeficiency syndrome. Last evaluated: 2024-10-14. Review status: criteria provided, single submitter. Criteria: Invitae Variant Classification Sherloc (09022015). Collection method: clinical testing. Allele origin: germline.
Comment: This sequence change replaces isoleucine, which is neutral and non-polar, with threonine, which is neutral and polar, at codon 518 of the SP110 protein (p.Ile518Thr). This variant is present in population databases (rs200056752, gnomAD 0.02%). This variant has not been reported in the literature in individuals affected with SP110-related conditions. ClinVar contains an entry for this variant (Variation ID: 2048928). An algorithm developed to predict the effect of missense changes on protein structure and function (PolyPhen-2) suggests that this variant is likely to be disruptive. In summary, the available evidence is currently insufficient to determine the role of this variant in disease. Therefore, it has been classified as a Variant of Uncertain Significance.